The following is an entry in ClinVar:

ClinVar aggregate classification (germline): Uncertain significance (1 of 4 stars; one submission).

Conditions:
Developmental and epileptic encephalopathy, 12 (DEE12). Identifiers: MedGen C3150988, MONDO:0013389, OMIM 613722.

Submission:

Labcorp Genetics (formerly Invitae), Labcorp
Classification: Uncertain significance for Developmental and epileptic encephalopathy, 12. Last evaluated: 2021-03-21. Review status: criteria provided, single submitter. Criteria: Invitae Variant Classification Sherloc (09022015). Collection method: clinical testing. Allele origin: germline.
Comment: In summary, the available evidence is currently insufficient to determine the role of this variant in disease. Therefore, it has been classified as a Variant of Uncertain Significance. Algorithms developed to predict the effect of missense changes on protein structure and function are either unavailable or do not agree on the potential impact of this missense change (SIFT: "Deleterious"; PolyPhen-2: "Probably Damaging"; Align-GVGD: "Class C0"). This variant has not been reported in the literature in individuals with PLCB1-related conditions. This variant is not present in population databases (ExAC no frequency). This sequence change replaces proline with histidine at codon 1140 of the PLCB1 protein (p.Pro1140His). The proline residue is moderately conserved and there is a moderate physicochemical difference between proline and histidine.

NM_015192.4(PLCB1):c.3419C>A (p.Pro1140His)

Gene: PLCB1 (phospholipase C beta 1; plus strand). Cytogenetic location: 20p12.3.
Variant type: single nucleotide variant.
Coding change: c.3419C>A on transcript NM_015192.4 (MANE Select); coding-DNA position 3419, C replaced by A.
Protein change: p.Pro1140His; replaces proline 1140 with histidine.
Molecular consequence: missense variant.
Genome position (GRCh38, 1-based): chr20:8,790,257, C>A. VCF-style: chr20-8790257-C-A. GRCh37 (hg19) VCF-style: chr20-8770904-C-A.
Other names: c.3419C>A, p.Pro1140His (NM_182734.3); short protein forms P1140H.
Identifiers: ClinVar variation 1426181 (VCV001426181.6), dbSNP rs2146222951, ClinGen allele CA408210196.